The following is an entry in ClinVar:

ClinVar aggregate classification (germline): Uncertain significance (1 of 4 stars; one submission).

Allele frequency attached by ClinVar (database versions not stated): ExAC 0.00001; gnomAD 0.00001.
gnomAD v4.1: 2 of 1,610,854 alleles (0.00012%); highest among the groups gnomAD compares: East Asian, 0.0045%; no homozygotes.

Submission:

Labcorp Genetics (formerly Invitae), Labcorp
Classification: Uncertain significance. Last evaluated: 2021-12-08. Review status: criteria provided, single submitter. Criteria: Invitae Variant Classification Sherloc (09022015). Collection method: clinical testing. Allele origin: germline.
Comment: This sequence change replaces proline, which is neutral and non-polar, with threonine, which is neutral and polar, at codon 463 of the CREB3L1 protein (p.Pro463Thr). This variant is present in population databases (rs771094568, gnomAD 0.02%). This variant has not been reported in the literature in individuals affected with CREB3L1-related conditions. Algorithms developed to predict the effect of missense changes on protein structure and function are either unavailable or do not agree on the potential impact of this missense change (SIFT: "Deleterious"; PolyPhen-2: "Benign"; Align-GVGD: "Class C0"). In summary, the available evidence is currently insufficient to determine the role of this variant in disease. Therefore, it has been classified as a Variant of Uncertain Significance.

NM_052854.4(CREB3L1):c.1387C>A (p.Pro463Thr)

Gene: CREB3L1 (cAMP responsive element binding protein 3 like 1; plus strand). Cytogenetic location: 11p11.2.
Variant type: single nucleotide variant.
Coding change: c.1387C>A on transcript NM_052854.4 (MANE Select); coding-DNA position 1387, C replaced by A.
Protein change: p.Pro463Thr; replaces proline 463 with threonine.
Molecular consequence: missense variant.
Genome position (GRCh38, 1-based): chr11:46,320,392, C>A. VCF-style: chr11-46320392-C-A. GRCh37 (hg19) VCF-style: chr11-46341943-C-A.
Other names: short protein forms P463T.
Identifiers: ClinVar variation 1915218 (VCV001915218.5), dbSNP rs771094568, ClinGen allele CA5961873.